The following is an entry in ClinVar:

ClinVar aggregate classification (germline): Uncertain significance (1 of 4 stars; one submission).

gnomAD v4.1: 5 of 1,612,000 alleles (0.00031%); highest among the groups gnomAD compares: Non-Finnish European, 0.00042%; no homozygotes.

Submission:

GeneDx
Classification: Uncertain significance. Last evaluated: 2023-01-17. Review status: criteria provided, single submitter. Criteria: GeneDx Variant Classification Process June 2021. Collection method: clinical testing. Allele origin: germline. Affected: yes.
Comment: Not observed at significant frequency in large population cohorts (gnomAD); In silico analysis supports that this missense variant has a deleterious effect on protein structure/function; Has not been previously published in patients with PKD1-related polycystic kidney disease as pathogenic or benign to our knowledge; This variant is associated with the following publications: (PMID: 29931260)

NM_001009944.3(PKD1):c.12404G>T (p.Arg4135Leu)

Gene: PKD1 (polycystin 1, transient receptor potential channel interacting; minus strand). Cytogenetic location: 16p13.3.
Variant type: single nucleotide variant.
Coding change: c.12404G>T on transcript NM_001009944.3 (MANE Select); coding-DNA position 12404, G replaced by T.
Protein change: p.Arg4135Leu; replaces arginine 4135 with leucine.
Molecular consequence: missense variant.
Genome position (GRCh38, 1-based): chr16:2,090,325, C>A on the plus strand (G>T on the coding strand, the complement: PKD1 is on the minus strand). VCF-style: chr16-2090325-C-A. GRCh37 (hg19) VCF-style: chr16-2140326-C-A.
Other names: c.12401G>T, p.Arg4134Leu (NM_000296.4); short protein forms R4134L, R4135L.
Identifiers: ClinVar variation 2572940 (VCV002572940.1), dbSNP rs747807172, ClinGen allele CA7828656.